The following is an entry in ClinVar:

NM_001001957.2(OR2W3):c.502C>T (p.Arg168Cys)

Gene: OR2W3 (olfactory receptor family 2 subfamily W member 3; plus strand). Cytogenetic location: 1q44.
Variant type: single nucleotide variant.
Coding change: c.502C>T on transcript NM_001001957.2 (MANE Select); coding-DNA position 502, C replaced by T.
Protein change: p.Arg168Cys; replaces arginine 168 with cysteine.
Molecular consequence: missense variant.
Genome position (GRCh38, 1-based): chr1:247,896,088, C>T. VCF-style: chr1-247896088-C-T. GRCh37 (hg19) VCF-style: chr1-248059390-C-T.
Other names: short protein forms R168C.
Identifiers: ClinVar variation 2416132 (VCV002416132.6), dbSNP rs372808578, ClinGen allele CA1498612.
Genomic context (GRCh38, chr1:247,896,088, plus strand): 5'-ACCTGGGGCTGTGGGGTGGCCAACTCCTTGGCCATGTCTCCTGTGACCCTGCGCTTACCC[C>T]GCTGTGGGCACCACGAGGTGGACCACTTCCTGCGTGAGATGCCCGCCCTGATCCGGATGG-3'
Protein context (NP_001001957.2, residues 158-178): AMSPVTLRLP[Arg168Cys]CGHHEVDHFL

ClinVar aggregate classification (germline): Uncertain significance (1 of 4 stars; one submission).

Allele frequency attached by ClinVar (database versions not stated): gnomAD exomes 0.00001; gnomAD 0.00004; TOPMed 0.00005; ExAC 0.00007; ESP Exome Variant Server 0.00008; 1000 Genomes Project 30x 0.00031; 1000 Genomes Project 0.00040.

Submission:

Labcorp Genetics (formerly Invitae), Labcorp
Classification: Uncertain significance. Last evaluated: 2025-11-17. Review status: criteria provided, single submitter. Criteria: Invitae Variant Classification Sherloc (09022015). Collection method: clinical testing. Allele origin: germline.
Comment: This sequence change replaces arginine, which is basic and polar, with cysteine, which is neutral and slightly polar, at codon 168 of the OR2W3 protein (p.Arg168Cys). This variant is present in population databases (rs372808578, gnomAD 0.03%). This variant has not been reported in the literature in individuals affected with OR2W3-related conditions. ClinVar contains an entry for this variant (Variation ID: 2416132). An algorithm developed to predict the effect of missense changes on protein structure and function outputs the following: PolyPhen-2: "Benign". The cysteine amino acid residue is found in multiple mammalian species, which suggests that this missense change does not adversely affect protein function. In summary, the available evidence is currently insufficient to determine the role of this variant in disease. Therefore, it has been classified as a Variant of Uncertain Significance.